The following is an entry in ClinVar:

ClinVar aggregate classification (germline): Pathogenic. Review status: criteria provided, multiple submitters, no conflicts (2 of 4 stars). 2 submissions from 2 submitters: Pathogenic (2). Last evaluated 2023-01-17.

Conditions:
BAP1-related tumor predisposition syndrome (TPDS1). Also called: TUMOR PREDISPOSITION SYNDROME 1; Tumor susceptibility linked to germline BAP1 mutations; BAP1 tumor predisposition syndrome; COMMON Syndrome. Identifiers: Orphanet 289539, MedGen C3280492, MONDO:0013692, OMIM 614327.

Submissions (2):

Myriad Genetics, Inc.
Classification: Pathogenic for BAP1-related tumor predisposition syndrome. Last evaluated: 2023-01-17. Review status: criteria provided, single submitter. Criteria: Myriad Autosomal Dominant, Autosomal Recessive and X-Linked Classification Criteria (2023). Collection method: clinical testing. Allele origin: unknown.
Comment: This variant is considered pathogenic. This variant creates a termination codon and is predicted to result in premature protein truncation.

Labcorp Genetics (formerly Invitae), Labcorp
Classification: Pathogenic for BAP1-related tumor predisposition syndrome. Last evaluated: 2021-03-18. Review status: criteria provided, single submitter. Criteria: Invitae Variant Classification Sherloc (09022015). Collection method: clinical testing. Allele origin: germline.
Comment: This sequence change creates a premature translational stop signal (p.Gln36*) in the BAP1 gene. It is expected to result in an absent or disrupted protein product. Loss-of-function variants in BAP1 are known to be pathogenic (PMID: 21874000, 23684012). This variant is not present in population databases (ExAC no frequency). This variant has been observed in individuals with BAP1-related conditions (PMID: 30517737). For these reasons, this variant has been classified as Pathogenic.

Literature cited by the submitters: PubMed 21874000 (cited by Labcorp Genetics (formerly Invitae), Labcorp); PubMed 23684012 (cited by Labcorp Genetics (formerly Invitae), Labcorp); PubMed 30517737 (cited by Labcorp Genetics (formerly Invitae), Labcorp).

NM_004656.4(BAP1):c.106C>T (p.Gln36Ter)

Gene: BAP1 (BRCA1 associated deubiquitinase 1; minus strand). Cytogenetic location: 3p21.1.
Variant type: single nucleotide variant.
Coding change: c.106C>T on transcript NM_004656.4 (MANE Select); coding-DNA position 106, C replaced by T.
Protein change: p.Gln36Ter; replaces glutamine 36 with a stop codon.
Molecular consequence: nonsense.
Genome position (GRCh38, 1-based): chr3:52,409,570, G>A on the plus strand (C>T on the coding strand, the complement: BAP1 is on the minus strand). VCF-style: chr3-52409570-G-A. GRCh37 (hg19) VCF-style: chr3-52443586-G-A.
Other names: short protein forms Q36*.
Identifiers: ClinVar variation 1454143 (VCV001454143.8), dbSNP rs2153228522, ClinGen allele CA353114563.